The following is an entry in ClinVar:

ClinVar aggregate classification (germline): Pathogenic (1 of 4 stars; one submission).

Submission:

Labcorp Genetics (formerly Invitae), Labcorp
Classification: Pathogenic. Last evaluated: 2025-10-01. Review status: criteria provided, single submitter. Criteria: Invitae Variant Classification Sherloc (09022015). Collection method: clinical testing. Allele origin: germline.
Comment: This sequence change creates a premature translational stop signal (p.Tyr239*) in the CREB3L3 gene. It is expected to result in an absent or disrupted protein product. Loss-of-function variants in CREB3L3 are known to be pathogenic (PMID: 21666694, 26427795). This variant is present in population databases (rs770536224, gnomAD 0.003%). This variant has not been reported in the literature in individuals affected with CREB3L3-related conditions. Algorithms developed to predict the effect of sequence changes on RNA splicing suggest that this variant may create or strengthen a splice site. For these reasons, this variant has been classified as Pathogenic.

Literature cited by the submitters: PubMed 21666694; PubMed 26427795.

NM_032607.3(CREB3L3):c.717C>G (p.Tyr239Ter)

Gene: CREB3L3 (cAMP responsive element binding protein 3 like 3; plus strand). Cytogenetic location: 19p13.3.
Variant type: single nucleotide variant.
Coding change: c.717C>G on transcript NM_032607.3 (MANE Select); coding-DNA position 717, C replaced by G.
Protein change: p.Tyr239Ter; replaces tyrosine 239 with a stop codon.
Molecular consequence: nonsense. On other transcripts: intron variant (1).
Genome position (GRCh38, 1-based): chr19:4,168,353, C>G. VCF-style: chr19-4168353-C-G. GRCh37 (hg19) VCF-style: chr19-4168350-C-G.
Other names: c.714C>G, p.Tyr238Ter (NM_001271995.2); c.711C>G, p.Tyr237Ter (NM_001271996.2); c.715-1787C>G (NM_001271997.2); short protein forms Y237*, Y238*, Y239*.
Identifiers: ClinVar variation 4698081 (VCV004698081.1).
Genomic context (GRCh38, chr19:4,168,353, plus strand): 5'-CCGGACTCCAAGTGGGGACTTTCTGGCCTGAAACCCTCCTCCCCATTTCACTTGGCAGTA[C>G]GAGGAGCGAGTGCTGAAAAAAATCCGCCGGAAAATCCGGAACAAGCAGTCGGCGCAAGAA-3'